The following is an entry in ClinVar:

ClinVar aggregate classification (germline): Pathogenic (1 of 4 stars; one submission).

Conditions:
Capillary malformation-arteriovenous malformation syndrome. Also called: Capillary malformation-arteriovenous malformation. Identifiers: Orphanet 137667, MedGen C1842180, MONDO:0012016.

Submission:

Labcorp Genetics (formerly Invitae), Labcorp
Classification: Pathogenic for Capillary malformation-arteriovenous malformation syndrome. Last evaluated: 2025-05-11. Review status: criteria provided, single submitter. Criteria: Invitae Variant Classification Sherloc (09022015). Collection method: clinical testing. Allele origin: germline.
Comment: This sequence change creates a premature translational stop signal (p.Gly340Trpfs*27) in the RASA1 gene. It is expected to result in an absent or disrupted protein product. Loss-of-function variants in RASA1 are known to be pathogenic (PMID: 24038909). This variant is not present in population databases (gnomAD no frequency). This variant has not been reported in the literature in individuals affected with RASA1-related conditions. For these reasons, this variant has been classified as Pathogenic.

Literature cited by the submitters: PubMed 24038909.

NM_002890.3(RASA1):c.1016_1017dup (p.Gly340fs)

Genes: CCNH (cyclin H; minus strand), RASA1 (RAS p21 protein activator 1; plus strand). Cytogenetic location: 5q14.3.
Variant type: Duplication.
Coding change: c.1016_1017dup on transcript NM_002890.3 (MANE Select); coding-DNA positions 1016 to 1017, 2 bases duplicated (TG; older notation c.1016_1017dupTG).
Protein change: p.Gly340fs; shifts the reading frame from glycine 340.
Molecular consequence: frameshift variant. On other transcripts: intron variant (1).
Genome position (GRCh38, 1-based): chr5:87,338,090-87,338,091, TG duplicated; duplicating any 2 consecutive bases within chr5:87,338,089-87,338,091 gives the same sequence; the c. name uses the placement nearest the transcript's 3' end. VCF-style (leftmost placement, unchanged base first): chr5-87338088-G-GGT. GRCh37 (hg19) VCF-style: chr5-86633905-G-GGT.
Other names: c.934-25295_934-25294dup (NM_001364075.2); c.485_486dup, p.Gly163fs (NM_022650.3); short protein forms G340fs, G163fs.
Identifiers: ClinVar variation 4719351 (VCV004719351.1).